The following is an entry in ClinVar:

NM_006506.5(RASA2):c.1934-5_1959dup

Gene: RASA2 (RAS p21 protein activator 2; plus strand). Cytogenetic location: 3q23.
Variant type: Duplication.
Coding change: c.1934-5_1959dup on transcript NM_006506.5 (MANE Select); 5 bases into the intron before coding-DNA position 1934 through coding-DNA position 1959, 31 bases duplicated.
Molecular consequence: splice acceptor variant.
Genome position (GRCh38, 1-based): chr3:141,607,673-141,607,703, 31 bases duplicated; duplicating any 31 consecutive bases within chr3:141,607,672-141,607,703 gives the same sequence; the c. name uses the placement nearest the transcript's 3' end. GRCh37 (hg19): chr3:141,326,515-141,326,545.
Other names: c.1937-5_1962dup (NM_001303245.3); c.1946-5_1971dup (NM_001303246.3).
Identifiers: ClinVar variation 2118693 (VCV002118693.4), dbSNP rs2478868585, ClinGen allele CA2580068870.

ClinVar aggregate classification (germline): Uncertain significance (1 of 4 stars; one submission).

Submission:

Labcorp Genetics (formerly Invitae), Labcorp
Classification: Uncertain significance. Last evaluated: 2022-03-28. Review status: criteria provided, single submitter. Criteria: Invitae Variant Classification Sherloc (09022015). Collection method: clinical testing. Allele origin: germline.
Comment: This sequence change creates a premature translational stop signal (p.Val654Phefs*46) in the RASA2 gene. It is expected to result in an absent or disrupted protein product. However, the current clinical and genetic evidence is not sufficient to establish whether loss-of-function variants in RASA2 cause disease. This variant is not present in population databases (gnomAD no frequency). This variant has not been reported in the literature in individuals affected with RASA2-related conditions. Algorithms developed to predict the effect of sequence changes on RNA splicing suggest that this variant may disrupt the consensus splice site. In summary, the available evidence is currently insufficient to determine the role of this variant in disease. Therefore, it has been classified as a Variant of Uncertain Significance.